The following is an entry in ClinVar:

ClinVar aggregate classification (germline): Uncertain significance. Review status: criteria provided, multiple submitters, no conflicts (2 of 4 stars). 2 submissions from 2 submitters: Uncertain significance (2). Last evaluated 2024-08-07.

Conditions:
Familial cancer of breast. Also called: BREAST CANCER, FAMILIAL; Hereditary breast cancer; hereditary breast carcinoma. Identifiers: Orphanet 227535, MedGen C0346153, MONDO:0016419, OMIM 114480. Disease mechanism: loss of function.
Hereditary cancer-predisposing syndrome. Also called: Hereditary neoplastic syndrome; Neoplastic Syndromes, Hereditary; Hereditary Cancer Syndrome; Tumor predisposition. Identifiers: Orphanet 140162, MedGen C0027672, MeSH D009386, MONDO:0015356.

Submissions (2):

Labcorp Genetics (formerly Invitae), Labcorp
Classification: Uncertain significance for Familial cancer of breast. Last evaluated: 2024-08-07. Review status: criteria provided, single submitter. Criteria: Invitae Variant Classification Sherloc (09022015). Collection method: clinical testing. Allele origin: germline.
Comment: This sequence change replaces threonine, which is neutral and polar, with serine, which is neutral and polar, at codon 274 of the PALB2 protein (p.Thr274Ser). This variant is not present in population databases (gnomAD no frequency). This variant has not been reported in the literature in individuals affected with PALB2-related conditions. ClinVar contains an entry for this variant (Variation ID: 530200). An algorithm developed to predict the effect of missense changes on protein structure and function outputs the following: PolyPhen-2: "Benign". The serine amino acid residue is found in multiple mammalian species, which suggests that this missense change does not adversely affect protein function. In summary, the available evidence is currently insufficient to determine the role of this variant in disease. Therefore, it has been classified as a Variant of Uncertain Significance.

Ambry Genetics
Classification: Uncertain significance for Hereditary cancer-predisposing syndrome. Last evaluated: 2022-08-03. Review status: criteria provided, single submitter. Criteria: Ambry Variant Classification Scheme 2023. Collection method: clinical testing. Allele origin: germline.
Comment: The p.T274S variant (also known as c.821C>G), located in coding exon 4 of the PALB2 gene, results from a C to G substitution at nucleotide position 821. The threonine at codon 274 is replaced by serine, an amino acid with similar properties. This amino acid position is poorly conserved in available vertebrate species. In addition, this alteration is predicted to be tolerated by in silico analysis. Since supporting evidence is limited at this time, the clinical significance of this alteration remains unclear.

NM_024675.4(PALB2):c.821C>G (p.Thr274Ser)

Gene: PALB2 (partner and localizer of BRCA2; minus strand). Cytogenetic location: 16p12.2.
Variant type: single nucleotide variant.
Coding change: c.821C>G on transcript NM_024675.4 (MANE Select); coding-DNA position 821, C replaced by G.
Protein change: p.Thr274Ser; replaces threonine 274 with serine.
Molecular consequence: missense variant.
Genome position (GRCh38, 1-based): chr16:23,635,725, G>C on the plus strand (C>G on the coding strand, the complement: PALB2 is on the minus strand). VCF-style: chr16-23635725-G-C. GRCh37 (hg19) VCF-style: chr16-23647046-G-C.
Other names: short protein forms T274S.
Identifiers: ClinVar variation 530200 (VCV000530200.12), dbSNP rs867994747, ClinGen allele CA395135971.